The following is an entry in ClinVar:

NM_000260.4(MYO7A):c.3560G>T (p.Ser1187Ile)

Gene: MYO7A (myosin VIIA; plus strand). Cytogenetic location: 11q13.5.
Variant type: single nucleotide variant.
Coding change: c.3560G>T on transcript NM_000260.4 (MANE Select); coding-DNA position 3560, G replaced by T.
Protein change: p.Ser1187Ile; replaces serine 1187 with isoleucine.
Molecular consequence: missense variant.
Genome position (GRCh38, 1-based): chr11:77,189,400, G>T. VCF-style: chr11-77189400-G-T. GRCh37 (hg19) VCF-style: chr11-76900445-G-T.
Other names: c.3560G>T, p.Ser1187Ile (NM_001127180.2); c.3527G>T, p.Ser1176Ile (NM_001369365.1); short protein forms S1187I, S1176I.
Identifiers: ClinVar variation 557219 (VCV000557219.4), dbSNP rs1555090314, ClinGen allele CA381946947.

ClinVar aggregate classification (germline): Uncertain significance. Review status: criteria provided, multiple submitters, no conflicts (2 of 4 stars). 3 submissions from 3 submitters: Uncertain significance (2). 1 of the submissions does not count toward it. Last evaluated 2025-02-17.

Conditions:
Autosomal recessive nonsyndromic hearing loss 2. Also called: DEAFNESS, AUTOSOMAL RECESSIVE 2; NEUROSENSORY NONSYNDROMIC RECESSIVE DEAFNESS 2. Identifiers: Orphanet 90636, MedGen C1838701, MONDO:0010807, OMIM 600060.
Usher syndrome type 1 (USH1). Also called: RETINITIS PIGMENTOSA AND CONGENITAL DEAFNESS. Identifiers: Orphanet 231169, Orphanet 886, MedGen C1568247, MONDO:0010168, OMIM 276900.
Autosomal dominant nonsyndromic hearing loss 11. Identifiers: Orphanet 90635, MedGen C1832475, MONDO:0011032, OMIM 601317.

Submissions (3):

Women's Health and Genetics/Laboratory Corporation of America, LabCorp
Classification: Uncertain significance. Last evaluated: 2025-02-17. Review status: criteria provided, single submitter. Criteria: LabCorp Variant Classification Summary - May 2015. Collection method: clinical testing. Allele origin: germline.
Comment: Variant summary: MYO7A c.3560G>T (p.Ser1187Ile) results in a non-conservative amino acid change in the encoded protein sequence. Five of five in-silico tools predict a damaging effect of the variant on protein function. The variant was absent in 249114 control chromosomes (gnomAD). The available data on variant occurrences in the general population are insufficient to allow any conclusion about variant significance. c.3560G>T has been reported in the literature in an individual affected with hearing loss who was compound heterozygous with a pathogenic variant (Kim_2022). These data do not allow any conclusion about variant significance. To our knowledge, no experimental evidence demonstrating an impact on protein function has been reported. The following publication has been ascertained in the context of this evaluation (PMID: 26633542, 35853923). ClinVar contains an entry for this variant (Variation ID: 557219). Based on the evidence outlined above, the variant was classified as uncertain significance.

Baylor Genetics
Classification: Uncertain significance for Autosomal dominant nonsyndromic hearing loss 11. Last evaluated: 2018-12-21. Review status: criteria provided, single submitter. Criteria: ACMG Guidelines, 2015. Collection method: clinical testing. Allele origin: maternal. Affected: yes.
Comment: This variant was determined to be of uncertain significance according to ACMG Guidelines, 2015 [PMID:25741868].

Counsyl
Classification: Uncertain significance for Usher syndrome type 1; Autosomal recessive nonsyndromic hearing loss 2. Last evaluated: 2018-03-19. Review status: no assertion criteria provided. Collection method: clinical testing. Allele origin: unknown. Not counted in ClinVar's aggregate classification.

Literature cited by the submitters: PubMed 26633542 (cited by Women's Health and Genetics/Laboratory Corporation of America, LabCorp and Counsyl); PubMed 35853923 (cited by Women's Health and Genetics/Laboratory Corporation of America, LabCorp).